The following continues an entry in ClinVar:

NM_000257.4(MYH7):c.2389G>A (p.Ala797Thr)

ClinVar aggregate classification (germline): Pathogenic/Likely pathogenic. Pathogenic (31); Likely pathogenic (5).

Submissions 23 to 39 of 39:

Dasa
Classification: Pathogenic. Last evaluated: 2022-01-05. Review status: criteria provided, single submitter. Criteria: ACMG Guidelines, 2015. Collection method: clinical testing. Allele origin: germline. Affected: yes. Observed: 1 variant allele.
Comment: The c.2389G>A;p.(Ala797Thr) missense variant has been observed in affected individual(s) and ClinVar contains an entry for this variant (ClinVar ID: 42901; PMID: 31110529; 23233322; 7581410;18029407;17125710;28606303; 22857948; 28138913; 27831900) - PS4.The variant is located in a mutational hot spot and/or critical and well-established functional domain (IQ) - PM1. The variant is present at low allele frequencies population databases (rs3218716– gnomAD 0.0002629%; ABraOM no frequency) - PM2_supporting. The variant co-segregated with disease in multiple affected family members (PMID: 11186938; 17125710) - PP1_strong. In summary, the currently available evidence indicates that the variant is pathogenic.

Fulgent Genetics
Classification: Pathogenic for MYH7-related skeletal myopathy; Myosin storage myopathy; Hypertrophic cardiomyopathy 1; Myopathy, myosin storage, autosomal recessive; Congenital myopathy 4A, autosomal dominant; Dilated cardiomyopathy 1S. Last evaluated: 2021-10-02. Review status: criteria provided, single submitter. Criteria: ACMG Guidelines, 2015. Collection method: clinical testing. Allele origin: unknown.

AiLife Diagnostics
Classification: Likely pathogenic. Last evaluated: 2021-09-29. Review status: criteria provided, single submitter. Criteria: ACMG Guidelines, 2015. Collection method: clinical testing. Allele origin: germline. Affected: yes. Observed: 1 variant allele.

Mayo Clinic Laboratories, Mayo Clinic
Classification: Pathogenic. Last evaluated: 2021-06-08. Review status: criteria provided, single submitter. Criteria: ACMG Guidelines, 2015. Collection method: clinical testing. Allele origin: germline.
Comment: PS4, PP1_strong, PM1

CHEO Genetics Diagnostic Laboratory, Children's Hospital of Eastern Ontario
Classification: Pathogenic for Cardiomyopathy. Last evaluated: 2020-06-12. Review status: criteria provided, single submitter. Criteria: ACMG Guidelines, 2015. Collection method: clinical testing. Allele origin: germline.

Center for Personalized Medicine, Children's Hospital Los Angeles
Classification: Likely pathogenic. Last evaluated: 2018-11-19. Review status: criteria provided, single submitter. Criteria: ACMG Guidelines, 2015. Collection method: clinical testing. Allele origin: germline. Affected: yes.

Agnes Ginges Centre for Molecular Cardiology, Centenary Institute
Classification: Pathogenic for Hypertrophic cardiomyopathy 1. Last evaluated: 2018-06-14. Review status: criteria provided, single submitter. Criteria: ACMG Guidelines, 2015. Collection method: research. Allele origin: germline. Inheritance: Autosomal dominant inheritance. Affected: yes.
Comment: MYH7 Ala797Thr has previously been described in HCM patients from at least 11 centres (Moolman., et al 1995; Van Driest., et al 2004; Laredo., et al 2007; Revera., et al 2008; Kaski., et al 2009; Brito., et al 2012; Marsiglia., et al 2013; Kassem., et al 2013; Berge & Leren., et al 2014; Walsh., et al 2017). Strong co-segregation of this variant with disease has been demonstrated in unrelated families (Moolman., et al 1995; Laredo., et al 2007). The variant is present in the Exome Aggregation Consortium dataset (MAF=0.00003). Moolman et al first identified this variant (1995) and haplotype analysis in subsequent papers led them to suggest it may be a South African founder variant (2000). In a large HCM population study Walsh et al., showed that MYH7 variants identified in HCM cases were found to cluster between amino acids 181- 937 (2017), this implies that variants in this region are likely to cause a HCM phenotype. Based on the adapted ACMG guidelines (Kelly MA, et al., 2018) this variant has been reported in well over 15 HCM probands (PS4), segregates with disease in multiple families (PP1_strong), is located in a known functional domain of MYH7 (PM1) and is rare in the general population (PM2), therefore we classify MYH7 Ala797Thr as "pathogenic".

Eurofins Ntd Llc (ga)
Classification: Pathogenic. Last evaluated: 2015-01-30. Review status: criteria provided, single submitter. Criteria: EGL Classification Definitions 2015. Collection method: clinical testing. Allele origin: germline. Observed: 1 variant allele, 1 heterozygote.

Stanford Center for Inherited Cardiovascular Disease, Stanford University
Classification: Pathogenic. Last evaluated: 2014-07-23. Review status: criteria provided, single submitter. Criteria: ACMG Guidelines, 2015. Collection method: provider interpretation. Allele origin: germline.

CSER _CC_NCGL, University of Washington
Classification: Likely pathogenic for Cardiomyopathy, hypertrophic. Last evaluated: 2014-06-01. Review status: criteria provided, single submitter. Criteria: Amendola et al. (Genome Res. 2015). Collection method: research. Allele origin: germline. Inheritance: Autosomal dominant inheritance. Study: ESP 6500 variant annotation.
Comment: Low GERP score may suggest that this variant may belong in a lower pathogenicity class

Variants classified for the Actionable exomic incidental findings in 6503 participants: challenges of variant classification manuscript

Clinical Genetics Service, Universitary Hospital 12 de Octubre
Classification: Pathogenic for Hypertrophic cardiomyopathy 1. Review status: criteria provided, single submitter. Criteria: ACMG Guidelines, 2015. Collection method: clinical testing. Allele origin: germline. Affected: yes.

Juno Genomics, Hangzhou Juno Genomics, Inc
Classification: Pathogenic for Hypertrophic cardiomyopathy 1. Review status: criteria provided, single submitter. Criteria: ACMG Guidelines, 2015. Collection method: clinical testing. Allele origin: germline.
Comment: Absent from controls (or at extremely low frequency if recessive) in Genome Aggregation Database.;Located in a mutational hot spot and/or critical and well-established functional domain without benign variation.;The prevalence of the variant in affected individuals is significantly increased compared to the prevalence in controls.;Co-segregation with disease in multiple affected family members.;Missense variant in a gene that has a low rate of benign missense variation.

Laboratory of Genetics and Molecular Cardiology, University of São Paulo
Classification: Likely pathogenic for Hypertrophic cardiomyopathy 1. Review status: criteria provided, single submitter. Criteria: LGCM Criteria August 2015. Collection method: clinical testing. Allele origin: germline. Inheritance: Autosomal dominant inheritance. Affected: yes. Observed: 12 variant alleles. Study: Sarcomeric Human Cardiomyopathy Registry (ShaRe).

Rady Children's Institute for Genomic Medicine, Rady Children's Hospital San Diego
Classification: Pathogenic for MYH7-related disorders. Review status: criteria provided, single submitter. Criteria: ACMG Guidelines, 2015. Collection method: clinical testing. Allele origin: germline.
Comment: Missense variation is an established mechanism of disease for MYH7-related disorders (PMID: 7731997, 12975413). The c.2389G>A (p.Ala797Thr) variant affects a weakly conserved amino acid and in silico tools used to predict the effect of this variant on protein function yield discordant results. This variant has been previously reported as a heterozygous change in patients with hypertrophic cardiomyopathy (PMID: 27532257, 7581410, 33673806, 11447480, 24793961, 35653365, 17125710, 33297573, 35288587). In addition, this variant has been previously reported as a heterozygous change in onepatient with Wolff-Parkinson-White syndrome (PMID: 32233023). The c.2389G>A (p.Ala797Thr) variant is located in a mutational hotspot for pathogenic variations associated with hypertrophic cardiomyopathy (PMID: 27532257). The c.2389G>A (p.Ala797Thr) variant is presentin the heterozygous state in the gnomAD population database at a frequency of 0.002% (6/251468) and is absent in the homozygous state, thus is presumed to be rare. Based on the available evidence, c.2389G>A (p.Ala797Thr) is classified as Pathogenic.

Gharavi Laboratory, Columbia University
Classification: Pathogenic. Last evaluated: 2018-09-16. Review status: no assertion criteria provided. Criteria: ACMG Guidelines, 2015. Collection method: research. Allele origin: germline. Affected: yes. Not counted in ClinVar's aggregate classification.

Lupski Lab, Baylor-Hopkins CMG, Baylor College of Medicine
Classification: Likely pathogenic for Wolff-Parkinson-White pattern. Last evaluated: 2017-07-14. Review status: no assertion criteria provided. Collection method: research. Allele origin: inherited. Affected: yes. Observed: 1 variant allele. Study: Candidate_variants_in_patients_with_ Wolff-Parkinson-White Syndrome. Not counted in ClinVar's aggregate classification.

Genomic Medicine Center of Excellence, King Faisal Specialist Hospital and Research Centre
Classification: Uncertain significance for Myosin storage myopathy. Last evaluated: 2025-09-10. Review status: flagged submission. Criteria: ACMG Guidelines, 2015. Collection method: clinical testing. Allele origin: germline. Not counted in ClinVar's aggregate classification.
ClinVar note: Reason: Outlier claim with insufficient supporting evidence

Literature cited by the submitters: PubMed 10521296 (cited by 9 submitters); PubMed 16858239 (cited by 4 submitters); PubMed 17125710 (cited by 8 submitters); PubMed 19880069 (cited by 5 submitters); PubMed 20031618 (cited by 5 submitters); PubMed 22857948 (cited by 7 submitters); PubMed 23233322 (cited by 9 submitters); PubMed 23283745 (cited by 4 submitters); PubMed 24093860 (cited by 6 submitters); PubMed 24111713 (cited by 5 submitters); PubMed 27532257 (cited by 8 submitters); PubMed 30696458 (cited by Variantyx, Inc.); PubMed 11186938 (cited by 7 submitters); PubMed 35653365 (cited by Variantyx, Inc. and Color Diagnostics, LLC DBA Color Health); PubMed 24793961 (cited by 6 submitters); PubMed 11447480 (cited by 3 submitters); PubMed 33673806 (cited by 4 submitters); PubMed 7581410 (cited by 10 submitters); PubMed 18029407 (cited by 7 submitters); PubMed 25351510 (cited by Ambry Genetics); PubMed 26743238 (cited by Ambry Genetics); PubMed 26969327 (cited by Ambry Genetics and Color Diagnostics, LLC DBA Color Health); PubMed 27247418 (cited by 3 submitters); PubMed 27737317 (cited by 3 submitters); PubMed 27831900 (cited by 5 submitters); PubMed 28138913 (cited by 3 submitters); PubMed 28420666 (cited by Ambry Genetics and Mayo Clinic Laboratories, Mayo Clinic); PubMed 28615295 (cited by 3 submitters); PubMed 28790153 (cited by 4 submitters); PubMed 30291343 (cited by Ambry Genetics and AiLife Diagnostics); PubMed 30755392 (cited by Ambry Genetics and AiLife Diagnostics); PubMed 31006259 (cited by 3 submitters); PubMed 31447099 (cited by Ambry Genetics and AiLife Diagnostics); PubMed 32233023 (cited by Ambry Genetics and AiLife Diagnostics); PubMed 33297573 (cited by 3 submitters); PubMed 29300372 (cited by Victorian Clinical Genetics Services, Murdoch Childrens Research Institute); PubMed 24714796 (cited by Victorian Clinical Genetics Services, Murdoch Childrens Research Institute); PubMed 28408708 (cited by Victorian Clinical Genetics Services, Murdoch Childrens Research Institute); PubMed 15358028 (cited by 4 submitters); PubMed 27841901 (cited by Color Diagnostics, LLC DBA Color Health); PubMed 34542152 (cited by Color Diagnostics, LLC DBA Color Health); PubMed 35288587 (cited by Color Diagnostics, LLC DBA Color Health); PubMed 38139087 (cited by Color Diagnostics, LLC DBA Color Health); PubMed 38186735 (cited by Color Diagnostics, LLC DBA Color Health); PubMed 38489124 (cited by Color Diagnostics, LLC DBA Color Health); PubMed 25031304 (cited by Laboratory for Molecular Medicine, Mass General Brigham Personalized Medicine and AiLife Diagnostics); PubMed 31110529 (cited by Dasa); PubMed 28606303 (cited by Dasa); PubMed 24038877 (cited by Dasa); PubMed 22975586 (cited by Dasa); PubMed 25637381 (cited by AiLife Diagnostics and Mayo Clinic Laboratories, Mayo Clinic); PubMed 23299917 (cited by AiLife Diagnostics); PubMed 31589614 (cited by AiLife Diagnostics); PubMed 21310275 (cited by AiLife Diagnostics and Mayo Clinic Laboratories, Mayo Clinic).